The following is an entry in ClinVar:

ClinVar aggregate classification (germline): Uncertain significance. Review status: criteria provided, multiple submitters, no conflicts (2 of 4 stars). 2 submissions from 2 submitters: Uncertain significance (2). Last evaluated 2024-09-13.

Allele frequency attached by ClinVar (database versions not stated): gnomAD 0.00002; gnomAD exomes 0.00003; TOPMed 0.00005.

Submissions (2):

Labcorp Genetics (formerly Invitae), Labcorp
Classification: Uncertain significance. Last evaluated: 2024-09-13. Review status: criteria provided, single submitter. Criteria: Invitae Variant Classification Sherloc (09022015). Collection method: clinical testing. Allele origin: germline.
Comment: This sequence change replaces arginine, which is basic and polar, with cysteine, which is neutral and slightly polar, at codon 55 of the LOXHD1 protein (p.Arg55Cys). This variant is present in population databases (no rsID available, gnomAD 0.02%). This variant has not been reported in the literature in individuals affected with LOXHD1-related conditions. ClinVar contains an entry for this variant (Variation ID: 2148790). Experimental studies and prediction algorithms are not available or were not evaluated, and the functional significance of this variant is currently unknown. In summary, the available evidence is currently insufficient to determine the role of this variant in disease. Therefore, it has been classified as a Variant of Uncertain Significance.

Blueprint Genetics
Classification: Uncertain significance. Last evaluated: 2023-03-22. Review status: criteria provided, single submitter. Criteria: ACMG Guidelines, 2015. Collection method: clinical testing. Allele origin: germline.

NM_001384474.1(LOXHD1):c.163C>T (p.Arg55Cys)

Gene: LOXHD1 (lipoxygenase homology PLAT domains 1; minus strand). Cytogenetic location: 18q21.1.
Variant type: single nucleotide variant.
Coding change: c.163C>T on transcript NM_001384474.1 (MANE Select); coding-DNA position 163, C replaced by T.
Protein change: p.Arg55Cys; replaces arginine 55 with cysteine.
Molecular consequence: missense variant.
Genome position (GRCh38, 1-based): chr18:46,649,237, G>A on the plus strand (C>T on the coding strand, the complement: LOXHD1 is on the minus strand). VCF-style: chr18-46649237-G-A. GRCh37 (hg19) VCF-style: chr18-44229200-G-A.
Other names: c.163C>T, p.Arg55Cys (NM_144612.7); short protein forms R55C.
Identifiers: ClinVar variation 2148790 (VCV002148790.3), dbSNP rs1018698370, ClinGen allele CA299811804.